The following is an entry in ClinVar:

NM_000052.7(ATP7A):c.2747T>C (p.Ile916Thr)

Gene: ATP7A (ATPase copper transporting alpha; plus strand). Cytogenetic location: Xq21.1.
Variant type: single nucleotide variant.
Coding change: c.2747T>C on transcript NM_000052.7 (MANE Select); coding-DNA position 2747, T replaced by C.
Protein change: p.Ile916Thr; replaces isoleucine 916 with threonine.
Molecular consequence: missense variant.
Genome position (GRCh38, 1-based): chrX:78,020,364, T>C. VCF-style: chrX-78020364-T-C. GRCh37 (hg19) VCF-style: chrX-77275861-T-C.
Other names: c.2513T>C, p.Ile838Thr (NM_001282224.2); short protein forms I838T, I916T.
Identifiers: ClinVar variation 2937919 (VCV002937919.3), dbSNP rs2077896781, ClinGen allele CA413602597.

ClinVar aggregate classification (germline): Uncertain significance (1 of 4 stars; one submission).

Conditions:
Menkes kinky-hair syndrome (MNK). Also called: Copper transport disease; Menkes Disease; Classic Menkes Disease. Identifiers: Orphanet 565, MedGen C0022716, MONDO:0010651, OMIM 309400.
Cutis laxa, X-linked (OHS). Also called: EDS IX; Occipital horn syndrome. Identifiers: Orphanet 198, MedGen C0268353, MONDO:0010572, OMIM 304150.
X-linked distal spinal muscular atrophy type 3. Also called: ATP7A-Related Distal Motor Neuropathy; SPINAL MUSCULAR ATROPHY, DISTAL, X-LINKED RECESSIVE; NEURONOPATHY, DISTAL HEREDITARY MOTOR, X-LINKED; NEUROPATHY, DISTAL HEREDITARY MOTOR, X-LINKED. Identifiers: Orphanet 139557, MedGen C1845359, MONDO:0010338, OMIM 300489.

Allele frequency attached by ClinVar (database versions not stated): TOPMed below 0.00001.

Submission:

Labcorp Genetics (formerly Invitae), Labcorp
Classification: Uncertain significance for X-linked distal spinal muscular atrophy type 3; Cutis laxa, X-linked; Menkes kinky-hair syndrome. Last evaluated: 2023-04-15. Review status: criteria provided, single submitter. Criteria: Invitae Variant Classification Sherloc (09022015). Collection method: clinical testing. Allele origin: germline.
Comment: This variant is not present in population databases (gnomAD no frequency). This sequence change replaces isoleucine, which is neutral and non-polar, with threonine, which is neutral and polar, at codon 916 of the ATP7A protein (p.Ile916Thr). This variant has not been reported in the literature in individuals affected with ATP7A-related conditions. In summary, the available evidence is currently insufficient to determine the role of this variant in disease. Therefore, it has been classified as a Variant of Uncertain Significance. Advanced modeling of protein sequence and biophysical properties (such as structural, functional, and spatial information, amino acid conservation, physicochemical variation, residue mobility, and thermodynamic stability) has been performed at Invitae for this missense variant, however the output from this modeling did not meet the statistical confidence thresholds required to predict the impact of this variant on ATP7A protein function.